The following is an entry in ClinVar:

ClinVar aggregate classification (germline): Uncertain significance (1 of 4 stars; one submission).

Conditions:
Proteinuria, chronic benign. Identifiers: MedGen C5394384, MONDO:0030042, OMIM 618884.

Allele frequency attached by ClinVar (database versions not stated): gnomAD exomes below 0.00001; ExAC 0.00001.
gnomAD v4.1: 2 of 1,613,986 alleles (0.00012%); highest among the groups gnomAD compares: South Asian, 0.0022%; no homozygotes.

Submission:

Victorian Clinical Genetics Services, Murdoch Childrens Research Institute
Classification: Uncertain significance for Proteinuria, chronic benign. Last evaluated: 2022-02-02. Review status: criteria provided, single submitter. Criteria: ACMG Guidelines, 2015. Collection method: clinical testing. Allele origin: germline. Inheritance: Autosomal recessive inheritance.
Comment: Based on the classification scheme VCGS_Germline_v1.3.4, this variant is classified as VUS-3B. Following criteria are met: 0102 - Loss of function is a known mechanism of disease in this gene and is associated with chronic benign proteinuria (MIM#618884). (I) 0106 - This gene is associated with autosomal recessive disease. (I) 0200 - Variant is predicted to result in a missense amino acid change from cysteine to tryptophan. (I) 0251 - This variant is heterozygous. (I) 0304 - Variant is present in gnomAD (v2) <0.01 for a recessive condition (1 heterozygote, 0 homozygotes). (SP) 0501 - Missense variant with conflicting in silico predictions, but highly conserved with a major amino acid change. (SP) 0600 - Variant is located in the annotated CUB 23 domain and forms a disulphide bond (UniProt). (I) 0705 - No comparable missense variants have previous evidence for pathogenicity. (I) 0807 - This variant has no previous evidence of pathogenicity. (I) 0905 - No published segregation evidence has been identified for this variant. (I) 1007 - No published functional evidence has been identified for this variant. (I) 1208 - Inheritance information for this variant is not currently available in this individual. (I) Legend: (SP) - Supporting pathogenic, (I) - Information, (SB) - Supporting benign

NM_001081.4(CUBN):c.9273C>G (p.Cys3091Trp)

Gene: CUBN (cubilin; minus strand). Cytogenetic location: 10p13.
Variant type: single nucleotide variant.
Coding change: c.9273C>G on transcript NM_001081.4 (MANE Select); coding-DNA position 9273, C replaced by G.
Protein change: p.Cys3091Trp; replaces cysteine 3091 with tryptophan.
Molecular consequence: missense variant.
Genome position (GRCh38, 1-based): chr10:16,869,817, G>C on the plus strand (C>G on the coding strand, the complement: CUBN is on the minus strand). VCF-style: chr10-16869817-G-C. GRCh37 (hg19) VCF-style: chr10-16911816-G-C.
Other names: short protein forms C3091W.
Identifiers: ClinVar variation 1699020 (VCV001699020.3), dbSNP rs558940054, ClinGen allele CA5422745.